The following is an entry in ClinVar:

NM_000548.5(TSC2):c.4168G>T (p.Glu1390Ter)

Gene: TSC2 (TSC complex subunit 2; plus strand). Cytogenetic location: 16p13.3.
Variant type: single nucleotide variant.
Coding change: c.4168G>T on transcript NM_000548.5 (MANE Select); coding-DNA position 4168, G replaced by T.
Protein change: p.Glu1390Ter; replaces glutamic acid 1390 with a stop codon.
Molecular consequence: nonsense.
Genome position (GRCh38, 1-based): chr16:2,084,390, G>T. VCF-style: chr16-2084390-G-T. GRCh37 (hg19) VCF-style: chr16-2134391-G-T.
Other names: NC_000016.9:g.2134391G>T; c.3967G>T, p.Glu1323Ter (NM_001077183.3); c.4099G>T, p.Glu1367Ter (NM_001114382.3); c.3859G>T, p.Glu1287Ter (NM_001318827.2); c.3823G>T, p.Glu1275Ter (NM_001318829.2); c.3436G>T, p.Glu1146Ter (NM_001318831.2); c.4000G>T, p.Glu1334Ter (NM_001318832.2); c.3970G>T, p.Glu1324Ter (NM_001363528.2); and 2 more; short protein forms E1390*, E1324*, E1347*, E1323*, E1334*, E1146*, E1275*, E1287*.
Identifiers: ClinVar variation 65050 (VCV000065050.3), dbSNP rs397515033, ClinGen allele CA020028.

ClinVar aggregate classification (germline): Pathogenic. Review status: criteria provided, single submitter (1 of 4 stars). 2 submissions from 2 submitters: Pathogenic (1). 1 of the submissions does not count toward it. Last evaluated 2023-11-07.

Conditions:
Tuberous sclerosis syndrome (TSC). Also called: Tuberous Sclerosis Complex; Tuberous sclerosis. Identifiers: Orphanet 805, MedGen C0041341, MONDO:0001734.

Submissions (3):

GeneDx
Classification: Pathogenic. Last evaluated: 2023-11-07. Review status: criteria provided, single submitter. Criteria: GeneDx Variant Classification Process June 2021. Collection method: clinical testing. Allele origin: germline. Affected: yes.
Comment: Nonsense variant predicted to result in protein truncation or nonsense mediated decay in a gene for which loss of function is a known mechanism of disease; Not observed at significant frequency in large population cohorts (gnomAD); Has not been previously published as pathogenic or benign to our knowledge; This variant is associated with the following publications: (PMID: 25525159, 15798777)

Dr. Peter K. Rogan Lab, Western University
No classification provided (evidence only). Condition: Cervical cancer. Review status: no classification provided. Collection method: in vitro. Allele origin: not applicable. Functional consequence: skipped exon. Not counted in ClinVar's aggregate classification.

Tuberous sclerosis database (TSC2)
No classification provided. Condition: TSC. Review status: no classification provided. Criteria: Tuberous Sclerosis Database Assertion Criteria 2015. Collection method: curation. Allele origin: germline. Affected: yes. Not counted in ClinVar's aggregate classification.